The following is an entry in ClinVar:

NM_006445.4(PRPF8):c.1240C>T (p.Arg414Cys)

Gene: PRPF8 (pre-mRNA processing factor 8; minus strand). Cytogenetic location: 17p13.3.
Variant type: single nucleotide variant.
Coding change: c.1240C>T on transcript NM_006445.4 (MANE Select); coding-DNA position 1240, C replaced by T.
Protein change: p.Arg414Cys; replaces arginine 414 with cysteine.
Molecular consequence: missense variant.
Genome position (GRCh38, 1-based): chr17:1,679,658, G>A on the plus strand (C>T on the coding strand, the complement: PRPF8 is on the minus strand). VCF-style: chr17-1679658-G-A. GRCh37 (hg19) VCF-style: chr17-1582952-G-A.
Other names: short protein forms R414C.
Identifiers: ClinVar variation 838920 (VCV000838920.8), dbSNP rs368865707, ClinGen allele CA286814170.

ClinVar aggregate classification (germline): Uncertain significance. Review status: criteria provided, multiple submitters, no conflicts (2 of 4 stars). 2 submissions from 2 submitters: Uncertain significance (2). Last evaluated 2025-11-11.

Conditions:
PRPF8-related disorder. Also called: PRPF8-related condition.

Allele frequency attached by ClinVar (database versions not stated): gnomAD exomes 0.00001; gnomAD 0.00003; TOPMed 0.00003; ESP Exome Variant Server 0.00008.
gnomAD v4.1: 18 of 1,614,028 alleles (0.0011%); highest among the groups gnomAD compares: African/African-American, 0.0027%; no homozygotes.

Submissions (2):

PreventionGenetics, part of Exact Sciences
Classification: Uncertain significance for PRPF8-related condition. Last evaluated: 2025-11-11. Review status: criteria provided, single submitter. Criteria: ACMG Guidelines, 2015. Collection method: clinical testing. Allele origin: germline.
Comment: The PRPF8 c.1240C>T variant is predicted to result in the amino acid substitution p.Arg414Cys. To our knowledge, this variant has not been reported in the literature. This variant is absent in a large population database (gnomAD), indicating this variant is rare. At this time, the clinical significance of this variant is uncertain due to the absence of conclusive functional and genetic evidence.

Labcorp Genetics (formerly Invitae), Labcorp
Classification: Uncertain significance. Last evaluated: 2022-07-19. Review status: criteria provided, single submitter. Criteria: Invitae Variant Classification Sherloc (09022015). Collection method: clinical testing. Allele origin: germline.
Comment: This variant has not been reported in the literature in individuals affected with PRPF8-related conditions. In summary, the available evidence is currently insufficient to determine the role of this variant in disease. Therefore, it has been classified as a Variant of Uncertain Significance. Algorithms developed to predict the effect of missense changes on protein structure and function are either unavailable or do not agree on the potential impact of this missense change (SIFT: "Deleterious"; PolyPhen-2: "Probably Damaging"; Align-GVGD: "Class C0"). ClinVar contains an entry for this variant (Variation ID: 838920). This variant is not present in population databases (gnomAD no frequency). This sequence change replaces arginine, which is basic and polar, with cysteine, which is neutral and slightly polar, at codon 414 of the PRPF8 protein (p.Arg414Cys).